The following is an entry in ClinVar:

ClinVar aggregate classification (germline): Uncertain significance. Review status: criteria provided, multiple submitters, no conflicts (2 of 4 stars). 3 submissions from 3 submitters: Uncertain significance (3). Last evaluated 2025-12-10.

Conditions:
Hereditary nonpolyposis colorectal neoplasms. Identifiers: MedGen C0009405, MeSH D003123.
Hereditary cancer-predisposing syndrome. Also called: Tumor predisposition; Neoplastic Syndromes, Hereditary; Hereditary neoplastic syndrome; Hereditary Cancer Syndrome. Identifiers: Orphanet 140162, MedGen C0027672, MeSH D009386, MONDO:0015356.
Lynch syndrome. Identifiers: Orphanet 144, MedGen C4552100, MONDO:0005835. Disease mechanism: loss of function.

Allele frequency attached by ClinVar (database versions not stated): gnomAD 0.00001.

Submissions (3):

Labcorp Genetics (formerly Invitae), Labcorp
Classification: Uncertain significance for Hereditary nonpolyposis colorectal neoplasms. Last evaluated: 2025-12-10. Review status: criteria provided, single submitter. Criteria: Invitae Variant Classification Sherloc (09022015). Collection method: clinical testing. Allele origin: germline.
Comment: This sequence change replaces histidine, which is basic and polar, with tyrosine, which is neutral and polar, at codon 130 of the MSH6 protein (p.His130Tyr). This variant is not present in population databases (gnomAD no frequency). This variant has not been reported in the literature in individuals affected with MSH6-related conditions. ClinVar contains an entry for this variant (Variation ID: 1018412). Invitae Evidence Modeling of protein sequence and biophysical properties (such as structural, functional, and spatial information, amino acid conservation, physicochemical variation, residue mobility, and thermodynamic stability) indicates that this missense variant is not expected to disrupt MSH6 protein function with a negative predictive value of 95%. In summary, the available evidence is currently insufficient to determine the role of this variant in disease. Therefore, it has been classified as a Variant of Uncertain Significance.

Ambry Genetics
Classification: Uncertain significance for Hereditary cancer-predisposing syndrome. Last evaluated: 2024-09-18. Review status: criteria provided, single submitter. Criteria: Ambry Variant Classification Scheme 2023. Collection method: clinical testing. Allele origin: germline.
Comment: The p.H130Y variant (also known as c.388C>T), located in coding exon 2 of the MSH6 gene, results from a C to T substitution at nucleotide position 388. The histidine at codon 130 is replaced by tyrosine, an amino acid with similar properties. This amino acid position is highly conserved in available vertebrate species. In addition, the in silico prediction for this alteration is inconclusive. Based on the available evidence, the clinical significance of this variant remains unclear.

All of Us Research Program, National Institutes of Health
Classification: Uncertain significance for Lynch syndrome. Last evaluated: 2024-04-16. Review status: criteria provided, single submitter. Criteria: ACMG Guidelines, 2015. Collection method: clinical testing. Allele origin: germline. Inheritance: Autosomal dominant inheritance. Observed: 1 variant allele, 1 heterozygote.
Comment: This missense variant replaces histidine with tyrosine at codon 130 of the MSH6 protein. Computational prediction suggests that this variant may have deleterious impact on protein structure and function (internally defined REVEL score threshold >= 0.7, PMID: 27666373). To our knowledge, functional studies have not been reported for this variant. This variant has not been reported in individuals affected with MSH6-related disorders in the literature. This variant has not been identified in the general population by the Genome Aggregation Database (gnomAD). The available evidence is insufficient to determine the role of this variant in disease conclusively. Therefore, this variant is classified as a Variant of Uncertain Significance.

This study involves interpretation of variants in research participants for the purpose of population health screening. Participant phenotype was not available at the time of variant classification. Additional details can be found in publication PMID: 35346344, PMCID: PMC8962531

NM_000179.3(MSH6):c.388C>T (p.His130Tyr)

Gene: MSH6 (mutS homolog 6; plus strand). Cytogenetic location: 2p16.3.
Variant type: single nucleotide variant.
Coding change: c.388C>T on transcript NM_000179.3 (MANE Select); coding-DNA position 388, C replaced by T.
Protein change: p.His130Tyr; replaces histidine 130 with tyrosine.
Molecular consequence: missense variant. On other transcripts: 5 prime UTR variant (2), intron variant (1).
Genome position (GRCh38, 1-based): chr2:47,791,054, C>T. VCF-style: chr2-47791054-C-T. GRCh37 (hg19) VCF-style: chr2-48018193-C-T.
Other names: c.-349C>T (NM_001281493.2); c.-515C>T (NM_001281494.2); c.238-7557C>T (NM_001281492.2); c.388C>T (NM_000179.2); short protein forms H130Y.
Identifiers: ClinVar variation 1018412 (VCV001018412.11), dbSNP rs1668697036, ClinGen allele CA346737061.